The following is an entry in ClinVar:

NM_003640.5(ELP1):c.3490G>A (p.Asp1164Asn)

Gene: ELP1 (elongator acetyltransferase complex subunit 1; minus strand). Cytogenetic location: 9q31.3.
Variant type: single nucleotide variant.
Coding change: c.3490G>A on transcript NM_003640.5 (MANE Select); coding-DNA position 3490, G replaced by A.
Protein change: p.Asp1164Asn; replaces aspartic acid 1164 with asparagine.
Molecular consequence: missense variant.
Genome position (GRCh38, 1-based): chr9:108,879,528, C>T on the plus strand (G>A on the coding strand, the complement: ELP1 is on the minus strand). VCF-style: chr9-108879528-C-T. GRCh37 (hg19) VCF-style: chr9-111641808-C-T.
Other names: c.3148G>A, p.Asp1050Asn (NM_001318360.2); c.2443G>A, p.Asp815Asn (NM_001330749.2); short protein forms D1050N, D1164N, D815N.
Identifiers: ClinVar variation 1522176 (VCV001522176.5), dbSNP rs1198624688, ClinGen allele CA374411909.

ClinVar aggregate classification (germline): Uncertain significance (1 of 4 stars; one submission).

gnomAD v4.1: 1 of 1,613,998 alleles (0.000062%); highest among the groups gnomAD compares: Non-Finnish European, 0.000085%; no homozygotes.

Submission:

Labcorp Genetics (formerly Invitae), Labcorp
Classification: Uncertain significance. Last evaluated: 2021-08-24. Review status: criteria provided, single submitter. Criteria: Invitae Variant Classification Sherloc (09022015). Collection method: clinical testing. Allele origin: germline.
Comment: This sequence change replaces aspartic acid with asparagine at codon 1164 of the ELP1 protein (p.Asp1164Asn). The aspartic acid residue is moderately conserved and there is a small physicochemical difference between aspartic acid and asparagine. This variant is not present in population databases (ExAC no frequency). This variant has not been reported in the literature in individuals affected with ELP1-related conditions. Algorithms developed to predict the effect of missense changes on protein structure and function are either unavailable or do not agree on the potential impact of this missense change (SIFT: "Tolerated"; PolyPhen-2: "Possibly Damaging"; Align-GVGD: "Class C0"). In summary, the available evidence is currently insufficient to determine the role of this variant in disease. Therefore, it has been classified as a Variant of Uncertain Significance.